The following is an entry in ClinVar:

NM_014159.7(SETD2):c.5890G>C (p.Glu1964Gln)

Gene: SETD2 (SET domain containing 2, histone lysine methyltransferase; minus strand). Cytogenetic location: 3p21.31.
Variant type: single nucleotide variant.
Coding change: c.5890G>C on transcript NM_014159.7 (MANE Select); coding-DNA position 5890, G replaced by C.
Protein change: p.Glu1964Gln; replaces glutamic acid 1964 with glutamine.
Molecular consequence: missense variant. On other transcripts: non-coding transcript variant (1).
Genome position (GRCh38, 1-based): chr3:47,083,890, C>G on the plus strand (G>C on the coding strand, the complement: SETD2 is on the minus strand). VCF-style: chr3-47083890-C-G. GRCh37 (hg19) VCF-style: chr3-47125380-C-G.
Other names: c.5758G>C, p.Glu1920Gln (NM_001349370.3); short protein forms E1920Q, E1964Q.
Identifiers: ClinVar variation 3363758 (VCV003363758.1).

ClinVar aggregate classification (germline): Uncertain significance (1 of 4 stars; one submission).

gnomAD v4.1: 1 of 1,614,152 alleles (0.000062%); highest among the groups gnomAD compares: Non-Finnish European, 0.000085%; no homozygotes.

Submission:

GeneDx
Classification: Uncertain significance. Last evaluated: 2023-11-07. Review status: criteria provided, single submitter. Criteria: GeneDx Variant Classification Process June 2021. Collection method: clinical testing. Allele origin: germline. Affected: yes.
Comment: Not observed at significant frequency in large population cohorts (gnomAD); In silico analysis supports that this missense variant does not alter protein structure/function; Has not been previously published as pathogenic or benign to our knowledge